The following is an entry in ClinVar:

ClinVar aggregate classification (germline): Uncertain significance. Review status: criteria provided, multiple submitters, no conflicts (2 of 4 stars). 2 submissions from 2 submitters: Uncertain significance (2). Last evaluated 2023-09-27.

Conditions:
Developmental and epileptic encephalopathy, 36 (DEE36). Also called: Congenital disorder of glycosylation, type Is; Epileptic encephalopathy, early infantile, 36; ALG13-CDG. Identifiers: Orphanet 324422, MedGen C4317295, MONDO:0010472, OMIM 300884.

gnomAD v4.1: 10 of 1,210,928 alleles (0.00083%); highest among the groups gnomAD compares: Non-Finnish European, 0.0011%; no homozygotes.

Submissions (2):

Labcorp Genetics (formerly Invitae), Labcorp
Classification: Uncertain significance for Developmental and epileptic encephalopathy, 36. Last evaluated: 2023-09-27. Review status: criteria provided, single submitter. Criteria: Invitae Variant Classification Sherloc (09022015). Collection method: clinical testing. Allele origin: germline.
Comment: This sequence change replaces threonine, which is neutral and polar, with isoleucine, which is neutral and non-polar, at codon 761 of the ALG13 protein (p.Thr761Ile). This variant is not present in population databases (gnomAD no frequency). This variant has not been reported in the literature in individuals affected with ALG13-related conditions. ClinVar contains an entry for this variant (Variation ID: 1307915). Advanced modeling of protein sequence and biophysical properties (such as structural, functional, and spatial information, amino acid conservation, physicochemical variation, residue mobility, and thermodynamic stability) performed at Invitae indicates that this missense variant is not expected to disrupt ALG13 protein function. Algorithms developed to predict the effect of sequence changes on RNA splicing suggest that this variant may disrupt the consensus splice site. In summary, the available evidence is currently insufficient to determine the role of this variant in disease. Therefore, it has been classified as a Variant of Uncertain Significance.

GeneDx
Classification: Uncertain significance. Last evaluated: 2019-08-16. Review status: criteria provided, single submitter. Criteria: GeneDx Variant Classification Process June 2021. Collection method: clinical testing. Allele origin: germline. Affected: yes.
Comment: Not observed in large population cohorts (Lek et al., 2016); In silico analysis, which includes protein predictors and evolutionary conservation, supports a deleterious effect; Has not been previously published as pathogenic or benign to our knowledge

NM_001099922.3(ALG13):c.2282C>T (p.Thr761Ile)

Gene: ALG13 (ALG13 UDP-N-acetylglucosaminyltransferase subunit; plus strand). Cytogenetic location: Xq23.
Variant type: single nucleotide variant.
Coding change: c.2282C>T on transcript NM_001099922.3 (MANE Select); coding-DNA position 2282, C replaced by T.
Protein change: p.Thr761Ile; replaces threonine 761 with isoleucine.
Molecular consequence: missense variant. On other transcripts: non-coding transcript variant (1).
Genome position (GRCh38, 1-based): chrX:111,728,219, C>T. VCF-style: chrX-111728219-C-T. GRCh37 (hg19) VCF-style: chrX-110971447-C-T.
Other names: c.1970C>T, p.Thr657Ile (NM_001257230.2, NM_001257234.2, NM_001257237.2); c.2048C>T, p.Thr683Ile (NM_001257231.2); c.2282C>T, p.Thr761Ile (NM_001324292.2); c.1796C>T, p.Thr599Ile (NM_001324293.1); short protein forms T599I, T657I, T683I, T761I.
Identifiers: ClinVar variation 1307915 (VCV001307915.5), dbSNP rs2148234911, ClinGen allele CA414253691.